The following is an entry in ClinVar:

ClinVar aggregate classification (germline): Uncertain significance (1 of 4 stars; one submission).

Allele frequency attached by ClinVar (database versions not stated): TOPMed 0.00001; ExAC 0.00001; gnomAD 0.00002.

Submission:

Labcorp Genetics (formerly Invitae), Labcorp
Classification: Uncertain significance. Last evaluated: 2022-05-21. Review status: criteria provided, single submitter. Criteria: Invitae Variant Classification Sherloc (09022015). Collection method: clinical testing. Allele origin: germline.
Comment: In summary, the available evidence is currently insufficient to determine the role of this variant in disease. Therefore, it has been classified as a Variant of Uncertain Significance. Algorithms developed to predict the effect of missense changes on protein structure and function are either unavailable or do not agree on the potential impact of this missense change (SIFT: "Deleterious"; PolyPhen-2: "Benign"; Align-GVGD: "Class C0"). This variant has not been reported in the literature in individuals affected with NKX2-1-related conditions. This variant is present in population databases (rs763732769, gnomAD 0.007%). This sequence change replaces methionine, which is neutral and non-polar, with valine, which is neutral and non-polar, at codon 159 of the NKX2-1 protein (p.Met159Val).

NM_001079668.3(NKX2-1):c.475A>G (p.Met159Val)

Genes: NKX2-1 (NK2 homeobox 1; minus strand), SFTA3 (surfactant associated 3; minus strand). Cytogenetic location: 14q13.3.
Variant type: single nucleotide variant.
Coding change: c.475A>G on transcript NM_001079668.3 (MANE Select); coding-DNA position 475, A replaced by G.
Protein change: p.Met159Val; replaces methionine 159 with valine.
Molecular consequence: missense variant.
Genome position (GRCh38, 1-based): chr14:36,518,009, T>C on the plus strand (A>G on the coding strand, the complement: NKX2-1 is on the minus strand). VCF-style: chr14-36518009-T-C. GRCh37 (hg19) VCF-style: chr14-36987214-T-C.
Other names: c.385A>G, p.Met129Val (NM_003317.4); short protein forms M129V, M159V.
Identifiers: ClinVar variation 2067670 (VCV002067670.4), dbSNP rs763732769, ClinGen allele CA7158496.
Genomic context (GRCh38, chr14:36,518,009, plus strand): 5'-CGTCCCCCAGCGAGCCCAGGCCGCCCATGCCGCTCATGTTCATGCCGCTCGCCGGGCCCA[T>C]GAAGCGGGAGACTGTAAGCGACAAACGCACAGCGTCGGCCGGGGCCAGGCCGAGCCAGGC-3'
Protein context (NP_001073136.1, residues 149-169): DPRFPAISRF[Met159Val]GPASGMNMSG